The following is an entry in ClinVar:

ClinVar aggregate classification (germline): Uncertain significance (1 of 4 stars; one submission).

Submission:

Labcorp Genetics (formerly Invitae), Labcorp
Classification: Uncertain significance. Last evaluated: 2024-04-09. Review status: criteria provided, single submitter. Criteria: Invitae Variant Classification Sherloc (09022015). Collection method: clinical testing. Allele origin: germline.
Comment: This sequence change falls in intron 9 of the ADAMTS17 gene. It does not directly change the encoded amino acid sequence of the ADAMTS17 protein. Information on the frequency of this variant in the gnomAD database is not available, as this variant may be reported differently in the database. This variant has not been reported in the literature in individuals affected with ADAMTS17-related conditions. ClinVar contains an entry for this variant (Variation ID: 2115349). Experimental studies and prediction algorithms are not available or were not evaluated, and the effect of this variant on mRNA splicing is currently unknown. In summary, the available evidence is currently insufficient to determine the role of this variant in disease. Therefore, it has been classified as a Variant of Uncertain Significance.

NM_139057.4(ADAMTS17):c.1322+4_1322+5inv

Gene: ADAMTS17 (ADAM metallopeptidase with thrombospondin type 1 motif 17; minus strand). Cytogenetic location: 15q26.3.
Variant type: Inversion.
Coding change: c.1322+4_1322+5inv on transcript NM_139057.4 (MANE Select).
Molecular consequence: intron variant.
Genome position: GRCh38 VCF-style: chr15-100155175-CT-AG. GRCh37 (hg19) VCF-style: chr15-100695380-CT-AG.
Identifiers: ClinVar variation 2115349 (VCV002115349.3), ClinGen allele CA2580089765.